The following is an entry in ClinVar:

ClinVar aggregate classification (germline): Pathogenic (1 of 4 stars; one submission).

Submission:

GeneDx
Classification: Pathogenic. Last evaluated: 2023-03-24. Review status: criteria provided, single submitter. Criteria: GeneDx Variant Classification Process June 2021. Collection method: clinical testing. Allele origin: germline. Affected: yes.
Comment: Not observed at significant frequency in large population cohorts (gnomAD); In silico analysis supports that this missense variant has a deleterious effect on protein structure/function; Has not been previously published as pathogenic or benign to our knowledge

NM_006015.6(ARID1A):c.3185G>T (p.Gly1062Val)

Gene: ARID1A (AT-rich interaction domain 1A; plus strand). Cytogenetic location: 1p36.11.
Variant type: single nucleotide variant.
Coding change: c.3185G>T on transcript NM_006015.6 (MANE Select); coding-DNA position 3185, G replaced by T.
Protein change: p.Gly1062Val; replaces glycine 1062 with valine.
Molecular consequence: missense variant.
Genome position (GRCh38, 1-based): chr1:26,767,986, G>T. VCF-style: chr1-26767986-G-T. GRCh37 (hg19) VCF-style: chr1-27094477-G-T.
Other names: c.3185G>T, p.Gly1062Val (NM_139135.4); short protein forms G1062V.
Identifiers: ClinVar variation 2446550 (VCV002446550.1), dbSNP rs2124087817, ClinGen allele CA339163885.